The following is an entry in ClinVar:

ClinVar aggregate classification (germline): Uncertain significance. Review status: criteria provided, multiple submitters, no conflicts (2 of 4 stars). 2 submissions from 2 submitters: Uncertain significance (2). Last evaluated 2023-04-20.

Allele frequency attached by ClinVar (database versions not stated): gnomAD 0.00001; gnomAD exomes 0.00001 and 0.00005; TOPMed 0.00001; ExAC 0.00006; ESP Exome Variant Server 0.00008.
gnomAD v4.1: 24 of 1,614,092 alleles (0.0015%); highest among the groups gnomAD compares: Non-Finnish European, 0.00025%; no homozygotes.

Submissions (2):

Mayo Clinic Laboratories, Mayo Clinic
Classification: Uncertain significance. Last evaluated: 2023-04-20. Review status: criteria provided, single submitter. Criteria: ACMG Guidelines, 2015. Collection method: clinical testing. Allele origin: germline. Observed: 1 variant allele.
Comment: PP2, PP3

Labcorp Genetics (formerly Invitae), Labcorp
Classification: Uncertain significance. Last evaluated: 2022-08-15. Review status: criteria provided, single submitter. Criteria: Invitae Variant Classification Sherloc (09022015). Collection method: clinical testing. Allele origin: germline.
Comment: This sequence change replaces alanine, which is neutral and non-polar, with serine, which is neutral and polar, at codon 247 of the ADAMTS10 protein (p.Ala247Ser). This variant is present in population databases (rs377670805, gnomAD 0.1%). This variant has not been reported in the literature in individuals affected with ADAMTS10-related conditions. ClinVar contains an entry for this variant (Variation ID: 1432542). Algorithms developed to predict the effect of missense changes on protein structure and function are either unavailable or do not agree on the potential impact of this missense change (SIFT: "Deleterious"; PolyPhen-2: "Benign"; Align-GVGD: "Class C65"). In summary, the available evidence is currently insufficient to determine the role of this variant in disease. Therefore, it has been classified as a Variant of Uncertain Significance.

NM_030957.4(ADAMTS10):c.739G>T (p.Ala247Ser)

Gene: ADAMTS10 (ADAM metallopeptidase with thrombospondin type 1 motif 10; minus strand). Cytogenetic location: 19p13.2.
Variant type: single nucleotide variant.
Coding change: c.739G>T on transcript NM_030957.4 (MANE Select); coding-DNA position 739, G replaced by T.
Protein change: p.Ala247Ser; replaces alanine 247 with serine.
Molecular consequence: missense variant.
Genome position (GRCh38, 1-based): chr19:8,600,999, C>A on the plus strand (G>T on the coding strand, the complement: ADAMTS10 is on the minus strand). VCF-style: chr19-8600999-C-A. GRCh37 (hg19) VCF-style: chr19-8665883-C-A.
Other names: p.Ala247Ser; short protein forms A247S.
Identifiers: ClinVar variation 1432542 (VCV001432542.4), dbSNP rs377670805, ClinGen allele CA9160743.